The following is an entry in ClinVar:

ClinVar aggregate classification (germline): Uncertain significance (1 of 4 stars; one submission).

Conditions:
Hereditary cancer-predisposing syndrome. Also called: Neoplastic Syndromes, Hereditary; Tumor predisposition; Hereditary Cancer Syndrome; Hereditary neoplastic syndrome. Identifiers: Orphanet 140162, MedGen C0027672, MeSH D009386, MONDO:0015356.

Submission:

Ambry Genetics
Classification: Uncertain significance for Hereditary cancer-predisposing syndrome. Last evaluated: 2026-01-10. Review status: criteria provided, single submitter. Criteria: Ambry Variant Classification Scheme 2023. Collection method: clinical testing. Allele origin: germline.
Comment: The p.N353H variant (also known as c.1057A>C), located in coding exon 9 of the MITF gene, results from an A to C substitution at nucleotide position 1057. The asparagine at codon 353 is replaced by histidine, an amino acid with similar properties. This amino acid position is conserved. In addition, this alteration is predicted to be tolerated by in silico analysis. Based on the available evidence, the clinical significance of this variant remains unclear.

NM_001354604.2(MITF):c.1378A>C (p.Asn460His)

Gene: MITF (melanocyte inducing transcription factor; plus strand). Cytogenetic location: 3p13.
Variant type: single nucleotide variant.
Coding change: c.1378A>C on transcript NM_001354604.2 (MANE Select); coding-DNA position 1378, A replaced by C.
Protein change: p.Asn460His; replaces asparagine 460 with histidine.
Molecular consequence: missense variant.
Genome position (GRCh38, 1-based): chr3:69,965,045, A>C. VCF-style: chr3-69965045-A-C. GRCh37 (hg19) VCF-style: chr3-70014196-A-C.
Other names: c.1057A>C, p.Asn353His (NM_000248.4); c.1204A>C, p.Asn402His (NM_001184967.2, NM_001354608.2); c.1375A>C, p.Asn459His (NM_001354605.2); c.1357A>C, p.Asn453His (NM_001354606.2, NM_006722.3); c.1309A>C, p.Asn437His (NM_001354607.2); c.1039A>C, p.Asn347His (NM_198158.3); c.1360A>C, p.Asn454His (NM_198159.3); c.1312A>C, p.Asn438His (NM_198177.3); and 1 more; short protein forms N291H, N347H, N437H, N438H, N454H, N460H, N353H, N402H.
Identifiers: ClinVar variation 4841485 (VCV004841485.1).